The following is an entry in ClinVar:

ClinVar aggregate classification (germline): Uncertain significance. Review status: criteria provided, multiple submitters, no conflicts (2 of 4 stars). 3 submissions from 3 submitters: Uncertain significance (3). Last evaluated 2024-09-11.

Conditions:
Hereditary cancer-predisposing syndrome. Also called: Neoplastic Syndromes, Hereditary; Tumor predisposition; Hereditary Cancer Syndrome; Hereditary neoplastic syndrome. Identifiers: Orphanet 140162, MedGen C0027672, MeSH D009386, MONDO:0015356.
Ataxia-telangiectasia-like disorder 1 (ATLD1). Identifiers: Orphanet 251347, MedGen C4012790, MONDO:0024557, OMIM 604391.
Ataxia-telangiectasia-like disorder (ATLD). Identifiers: MedGen C1858391, MONDO:0011457.

Allele frequency attached by ClinVar (database versions not stated): gnomAD exomes below 0.00001.
gnomAD v4.1: 1 of 1,613,900 alleles (0.000062%); highest among the groups gnomAD compares: Admixed American, 0.0017%; no homozygotes.

Submissions (3):

Labcorp Genetics (formerly Invitae), Labcorp
Classification: Uncertain significance for Ataxia-telangiectasia-like disorder. Last evaluated: 2024-09-11. Review status: criteria provided, single submitter. Criteria: Invitae Variant Classification Sherloc (09022015). Collection method: clinical testing. Allele origin: germline.
Comment: This sequence change replaces phenylalanine, which is neutral and non-polar, with leucine, which is neutral and non-polar, at codon 399 of the MRE11 protein (p.Phe399Leu). This variant is not present in population databases (gnomAD no frequency). This variant has not been reported in the literature in individuals affected with MRE11-related conditions. ClinVar contains an entry for this variant (Variation ID: 483623). An algorithm developed to predict the effect of missense changes on protein structure and function (PolyPhen-2) suggests that this variant is likely to be tolerated. In summary, the available evidence is currently insufficient to determine the role of this variant in disease. Therefore, it has been classified as a Variant of Uncertain Significance.

Baylor Genetics
Classification: Uncertain significance for Ataxia-telangiectasia-like disorder 1. Last evaluated: 2023-07-11. Review status: criteria provided, single submitter. Criteria: ACMG Guidelines, 2015. Collection method: clinical testing. Allele origin: unknown.

Ambry Genetics
Classification: Uncertain significance for Hereditary cancer-predisposing syndrome. Last evaluated: 2022-10-06. Review status: criteria provided, single submitter. Criteria: Ambry Variant Classification Scheme 2023. Collection method: clinical testing. Allele origin: germline.
Comment: The p.F399L variant (also known as c.1195T>C), located in coding exon 10 of the MRE11A gene, results from a T to C substitution at nucleotide position 1195. The phenylalanine at codon 399 is replaced by leucine, an amino acid with highly similar properties. This amino acid position is well conserved in available vertebrate species. In addition, this alteration is predicted to be tolerated by in silico analysis. Since supporting evidence is limited at this time, the clinical significance of this alteration remains unclear.

NM_005591.4(MRE11):c.1195T>C (p.Phe399Leu)

Gene: MRE11 (MRE11 double strand break repair nuclease; minus strand). Cytogenetic location: 11q21.
Variant type: single nucleotide variant.
Coding change: c.1195T>C on transcript NM_005591.4 (MANE Select); coding-DNA position 1195, T replaced by C.
Protein change: p.Phe399Leu; replaces phenylalanine 399 with leucine.
Molecular consequence: missense variant.
Genome position (GRCh38, 1-based): chr11:94,464,143, A>G on the plus strand (T>C on the coding strand, the complement: MRE11 is on the minus strand). VCF-style: chr11-94464143-A-G. GRCh37 (hg19) VCF-style: chr11-94197309-A-G.
Other names: c.1195T>C, p.Phe399Leu (NM_001330347.2, NM_005590.4); short protein forms F399L.
Identifiers: ClinVar variation 483623 (VCV000483623.11), dbSNP rs904951211, ClinGen allele CA226530211.